The following is an entry in ClinVar:

ClinVar aggregate classification (germline): Benign/Likely benign. Review status: criteria provided, multiple submitters, no conflicts (2 of 4 stars). 3 submissions from 3 submitters: Benign (1); Likely benign (2). Last evaluated 2024-09-05.

Conditions:
Familial cancer of breast. Also called: BREAST CANCER, FAMILIAL; hereditary breast carcinoma; Hereditary breast cancer. Identifiers: Orphanet 227535, MedGen C0346153, MONDO:0016419, OMIM 114480. Disease mechanism: loss of function.
Fanconi anemia complementation group J. Also called: BRIP1-Related Fanconi Anemia. Identifiers: Orphanet 84, MedGen C1836860, MONDO:0012187, OMIM 609054.
Hereditary cancer-predisposing syndrome. Also called: Neoplastic Syndromes, Hereditary; Tumor predisposition; Hereditary neoplastic syndrome; Hereditary Cancer Syndrome. Identifiers: Orphanet 140162, MedGen C0027672, MeSH D009386, MONDO:0015356.

Allele frequency attached by ClinVar (database versions not stated): gnomAD exomes below 0.00001.
gnomAD v4.1: 6 of 1,578,798 alleles (0.00038%); highest among the groups gnomAD compares: Non-Finnish European, 0.00052%; no homozygotes.

Submissions (3):

Myriad Genetics, Inc.
Classification: Benign for Familial cancer of breast. Last evaluated: 2024-09-05. Review status: criteria provided, single submitter. Criteria: Myriad Autosomal Dominant, Autosomal Recessive and X-Linked Classification Criteria (2023). Collection method: clinical testing. Allele origin: unknown.
Comment: This variant is considered benign. This variant is a silent/synonymous amino acid change and it is not expected to impact splicing.

Labcorp Genetics (formerly Invitae), Labcorp
Classification: Likely benign for Familial cancer of breast; Fanconi anemia complementation group J. Last evaluated: 2023-10-03. Review status: criteria provided, single submitter. Criteria: Invitae Variant Classification Sherloc (09022015). Collection method: clinical testing. Allele origin: germline.

Ambry Genetics
Classification: Likely benign for Hereditary cancer-predisposing syndrome. Last evaluated: 2022-05-09. Review status: criteria provided, single submitter. Criteria: Ambry Variant Classification Scheme 2023. Collection method: clinical testing. Allele origin: germline.

NM_032043.3(BRIP1):c.2490T>C (p.Gly830=)

Gene: BRIP1 (BRCA1 interacting DNA helicase 1; minus strand). Cytogenetic location: 17q23.2.
Variant type: single nucleotide variant.
Coding change: c.2490T>C on transcript NM_032043.3 (MANE Select); coding-DNA position 2490, T replaced by C.
Protein change: p.Gly830=; no amino-acid change (glycine 830 retained).
Molecular consequence: synonymous variant.
Genome position (GRCh38, 1-based): chr17:61,715,953, A>G on the plus strand (T>C on the coding strand, the complement: BRIP1 is on the minus strand). VCF-style: chr17-61715953-A-G. GRCh37 (hg19) VCF-style: chr17-59793314-A-G.
Identifiers: ClinVar variation 1792073 (VCV001792073.8), dbSNP rs2544695883, ClinGen allele CA501150463.